The following is an entry in ClinVar:

ClinVar aggregate classification (germline): Pathogenic (0 of 4 stars; one submission).

Conditions:
Fanconi anemia complementation group A (FANCA). Also called: Fanconi anemia, group A; FANCA-Related Fanconi Anemia. Identifiers: Orphanet 84, MedGen C3469521, MONDO:0009215, OMIM 227650.

Submission:

Leiden Open Variation Database
Classification: Pathogenic for Fanconi anemia complementation group A. Last evaluated: 2020-02-28. Review status: no assertion criteria provided. Collection method: curation. Allele origin: germline. Affected: yes.
Comment: Curator: Arleen D. Auerbach. Submitter to LOVD: Arleen D. Auerbach.

NC_000016.10:g.(89775816_89778800)_(89796019_89799165)del

Gene: FANCA (FA complementation group A; minus strand). Cytogenetic location: 16q24.3.
Variant type: Deletion.
Identifiers: ClinVar variation 974210 (VCV000974210.1).